The following is an entry in ClinVar:

ClinVar aggregate classification (germline): Uncertain significance (1 of 4 stars; one submission).

Conditions:
Congenital sideroblastic anemia-B-cell immunodeficiency-periodic fever-developmental delay syndrome. Also called: Sideroblastic anemia with B-cell immunodeficiency, periodic fevers, and developmental delay. Identifiers: Orphanet 369861, MedGen C4015172, MONDO:0014487, OMIM 616084.

Submission:

Labcorp Genetics (formerly Invitae), Labcorp
Classification: Uncertain significance for Congenital sideroblastic anemia-B-cell immunodeficiency-periodic fever-developmental delay syndrome. Last evaluated: 2021-08-31. Review status: criteria provided, single submitter. Criteria: Invitae Variant Classification Sherloc (09022015). Collection method: clinical testing. Allele origin: germline.
Comment: Algorithms developed to predict the effect of missense changes on protein structure and function (SIFT, PolyPhen-2, Align-GVGD) all suggest that this variant is likely to be tolerated, but these predictions have not been confirmed by published functional studies and their clinical significance is uncertain. In summary, the available evidence is currently insufficient to determine the role of this variant in disease. Therefore, it has been classified as a Variant of Uncertain Significance. This sequence change replaces threonine with lysine at codon 337 of the TRNT1 protein (p.Thr337Lys). The threonine residue is weakly conserved and there is a moderate physicochemical difference between threonine and lysine. This variant is not present in population databases (ExAC no frequency). This variant has not been reported in the literature in individuals with TRNT1-related conditions.

NM_182916.3(TRNT1):c.1010C>A (p.Thr337Lys)

Gene: TRNT1 (tRNA nucleotidyl transferase 1; plus strand). Cytogenetic location: 3p26.2.
Variant type: single nucleotide variant.
Coding change: c.1010C>A on transcript NM_182916.3 (MANE Select); coding-DNA position 1010, C replaced by A.
Protein change: p.Thr337Lys; replaces threonine 337 with lysine.
Molecular consequence: missense variant. On other transcripts: non-coding transcript variant (8).
Genome position (GRCh38, 1-based): chr3:3,147,657, C>A. VCF-style: chr3-3147657-C-A. GRCh37 (hg19) VCF-style: chr3-3189341-C-A.
Other names: c.950C>A, p.Thr317Lys (NM_001302946.2); c.1010C>A, p.Thr337Lys (NM_001367321.1, NM_001367322.1, NM_001367323.1); short protein forms T317K, T337K.
Identifiers: ClinVar variation 835574 (VCV000835574.5), dbSNP rs1706134057, ClinGen allele CA351448228.